The following is an entry in ClinVar:

ClinVar aggregate classification (germline): Uncertain significance. Review status: criteria provided, multiple submitters, no conflicts (2 of 4 stars). 4 submissions from 4 submitters: Uncertain significance (3). 1 of the submissions does not count toward it. Last evaluated 2023-04-11.

Conditions:
Pyknodysostosis. Also called: Pycnodysostosis. Identifiers: Orphanet 763, MedGen C0238402, MONDO:0009940, OMIM 265800.

Allele frequency attached by ClinVar (database versions not stated): ExAC 0.00002; TOPMed 0.00001.

Submissions (4):

Genome-Nilou Lab
Classification: Uncertain significance for Pyknodysostosis. Last evaluated: 2023-04-11. Review status: criteria provided, single submitter. Criteria: ACMG Guidelines, 2015. Collection method: clinical testing. Allele origin: germline. Affected: no.

Labcorp Genetics (formerly Invitae), Labcorp
Classification: Uncertain significance. Last evaluated: 2022-06-15. Review status: criteria provided, single submitter. Criteria: Invitae Variant Classification Sherloc (09022015). Collection method: clinical testing. Allele origin: germline.
Comment: This sequence change replaces arginine, which is basic and polar, with tryptophan, which is neutral and slightly polar, at codon 193 of the CTSK protein (p.Arg193Trp). This variant is present in population databases (rs747914097, gnomAD 0.02%). This missense change has been observed in individual(s) with pycnodysostosis (PMID: 27092432). ClinVar contains an entry for this variant (Variation ID: 550003). Algorithms developed to predict the effect of missense changes on protein structure and function are either unavailable or do not agree on the potential impact of this missense change (SIFT: "Deleterious"; PolyPhen-2: "Possibly Damaging"; Align-GVGD: "Class C0"). In summary, the available evidence is currently insufficient to determine the role of this variant in disease. Therefore, it has been classified as a Variant of Uncertain Significance.

Fulgent Genetics
Classification: Uncertain significance for Pyknodysostosis. Last evaluated: 2022-03-08. Review status: criteria provided, single submitter. Criteria: ACMG Guidelines, 2015. Collection method: clinical testing. Allele origin: unknown.

Counsyl
Classification: Uncertain significance for Pyknodysostosis. Last evaluated: 2017-04-28. Review status: no assertion criteria provided. Collection method: clinical testing. Allele origin: unknown. Not counted in ClinVar's aggregate classification.

Literature cited by the submitters: PubMed 27092432 (cited by Labcorp Genetics (formerly Invitae), Labcorp and Counsyl).

NM_000396.4(CTSK):c.577C>T (p.Arg193Trp)

Gene: CTSK (cathepsin K; minus strand). Cytogenetic location: 1q21.3.
Variant type: single nucleotide variant.
Coding change: c.577C>T on transcript NM_000396.4 (MANE Select); coding-DNA position 577, C replaced by T.
Protein change: p.Arg193Trp; replaces arginine 193 with tryptophan.
Molecular consequence: missense variant.
Genome position (GRCh38, 1-based): chr1:150,804,062, G>A on the plus strand (C>T on the coding strand, the complement: CTSK is on the minus strand). VCF-style: chr1-150804062-G-A. GRCh37 (hg19) VCF-style: chr1-150776538-G-A.
Other names: short protein forms R193W.
Identifiers: ClinVar variation 550003 (VCV000550003.5), dbSNP rs747914097, ClinGen allele CA1080489.